The following is an entry in ClinVar:

ClinVar aggregate classification (germline): Uncertain significance (1 of 4 stars; one submission).

Allele frequency attached by ClinVar (database versions not stated): ExAC 0.00001; gnomAD exomes 0.00001 and 0.00002; gnomAD 0.00002; TOPMed 0.00003.
gnomAD v4.1: 9 of 1,613,940 alleles (0.00056%); highest among the groups gnomAD compares: Admixed American, 0.013%; no homozygotes.

Submission:

Labcorp Genetics (formerly Invitae), Labcorp
Classification: Uncertain significance. Last evaluated: 2025-08-26. Review status: criteria provided, single submitter. Criteria: Invitae Variant Classification Sherloc (09022015). Collection method: clinical testing. Allele origin: germline.
Comment: This sequence change replaces arginine, which is basic and polar, with glycine, which is neutral and non-polar, at codon 11 of the UFM1 protein (p.Arg11Gly). This variant is present in population databases (rs753228455, gnomAD 0.02%). This variant has not been reported in the literature in individuals affected with UFM1-related conditions. ClinVar contains an entry for this variant (Variation ID: 1512215). An algorithm developed to predict the effect of missense changes on protein structure and function (PolyPhen-2) suggests that this variant is likely to be tolerated. In summary, the available evidence is currently insufficient to determine the role of this variant in disease. Therefore, it has been classified as a Variant of Uncertain Significance.

NM_016617.4(UFM1):c.59+90C>G

Gene: UFM1 (ubiquitin fold modifier 1; plus strand). Cytogenetic location: 13q13.3.
Variant type: single nucleotide variant.
Coding change: c.59+90C>G on transcript NM_016617.4 (MANE Select); 90 bases into the intron after coding-DNA position 59, C replaced by G.
Molecular consequence: intron variant. On other transcripts: missense variant (1).
Genome position (GRCh38, 1-based): chr13:38,350,145, C>G. VCF-style: chr13-38350145-C-G. GRCh37 (hg19) VCF-style: chr13-38924282-C-G.
Other names: c.31C>G, p.Arg11Gly (NM_001286704.2); c.59+90C>G (NM_001286705.2, NM_001286703.2, NM_001286706.2); short protein forms R11G.
Identifiers: ClinVar variation 1512215 (VCV001512215.6), dbSNP rs753228455, ClinGen allele CA6953924.
Genomic context (GRCh38, chr13:38,350,145, plus strand): 5'-GGGGCCGGACAAGACGGGGCTGGGTTGGGGATGATCCGAGCTTTTCCAACAACTACCCCA[C>G]GCAGTCTTCATCTCTTCACTTCATCTACTTTCCTGGCTCGCGCCCTTCCAGGAGCCTTTC-3'